The following is an entry in ClinVar:

NM_024529.5(CDC73):c.512+4A>C

Gene: CDC73 (cell division cycle 73; plus strand). Cytogenetic location: 1q31.2.
Variant type: single nucleotide variant.
Coding change: c.512+4A>C on transcript NM_024529.5 (MANE Select); 4 bases into the intron after coding-DNA position 512, A replaced by C.
Molecular consequence: intron variant.
Genome position (GRCh38, 1-based): chr1:193,138,177, A>C. VCF-style: chr1-193138177-A-C. GRCh37 (hg19) VCF-style: chr1-193107307-A-C.
Identifiers: ClinVar variation 1745480 (VCV001745480.7), dbSNP rs2527317667, ClinGen allele CA2573971587.

ClinVar aggregate classification (germline): Uncertain significance. Review status: criteria provided, multiple submitters, no conflicts (2 of 4 stars). 2 submissions from 2 submitters: Uncertain significance (2). Last evaluated 2022-06-17.

Conditions:
Hereditary cancer-predisposing syndrome. Also called: Hereditary Cancer Syndrome; Neoplastic Syndromes, Hereditary; Tumor predisposition; Hereditary neoplastic syndrome. Identifiers: Orphanet 140162, MedGen C0027672, MeSH D009386, MONDO:0015356.
Parathyroid carcinoma (PRTC). Also called: CDC73-Related Parathyroid Carcinoma; Parathyroid gland carcinoma. Identifiers: Orphanet 143, MedGen C0687150, MONDO:0012004, OMIM 608266, HP:0006780.

Submissions (2):

Ambry Genetics
Classification: Uncertain significance for Hereditary cancer-predisposing syndrome. Last evaluated: 2022-06-17. Review status: criteria provided, single submitter. Criteria: Ambry Variant Classification Scheme 2023. Collection method: clinical testing. Allele origin: germline.
Comment: The c.512+4A>C intronic variant results from an A to C substitution 4 nucleotides after coding exon 6 in the CDC73 gene. This nucleotide position is well conserved in available vertebrate species. In silico splice site analysis predicts that this alteration will not have any significant effect on splicing. Since supporting evidence is limited at this time, the clinical significance of this alteration remains unclear.

Labcorp Genetics (formerly Invitae), Labcorp
Classification: Uncertain significance for Parathyroid carcinoma. Last evaluated: 2022-02-04. Review status: criteria provided, single submitter. Criteria: Invitae Variant Classification Sherloc (09022015). Collection method: clinical testing. Allele origin: germline.
Comment: In summary, the available evidence is currently insufficient to determine the role of this variant in disease. Therefore, it has been classified as a Variant of Uncertain Significance. Variants that disrupt the consensus splice site are a relatively common cause of aberrant splicing (PMID: 17576681, 9536098). Algorithms developed to predict the effect of sequence changes on RNA splicing suggest that this variant may disrupt the consensus splice site. This variant has not been reported in the literature in individuals affected with CDC73-related conditions. This variant is not present in population databases (gnomAD no frequency). This sequence change falls in intron 6 of the CDC73 gene. It does not directly change the encoded amino acid sequence of the CDC73 protein. It affects a nucleotide within the consensus splice site.

Literature cited by the submitters: PubMed 17576681 (cited by Labcorp Genetics (formerly Invitae), Labcorp); PubMed 9536098 (cited by Labcorp Genetics (formerly Invitae), Labcorp).